The following is an entry in ClinVar:

ClinVar aggregate classification (germline): Likely benign (0 of 4 stars; one submission).

Conditions:
CIB1-related disorder. Also called: CIB1-related condition.

gnomAD v4.1: 7 of 1,574,318 alleles (0.00044%); highest among the groups gnomAD compares: African/African-American, 0.0027%; no homozygotes.

Submission:

PreventionGenetics, part of Exact Sciences
Classification: Likely benign for CIB1-related condition. Last evaluated: 2019-07-04. Review status: no assertion criteria provided. Collection method: clinical testing. Allele origin: germline.
Comment: This variant is classified as likely benign based on ACMG/AMP sequence variant interpretation guidelines (Richards et al. 2015 PMID: 25741868, with internal and published modifications).

NM_006384.4(CIB1):c.87-36C>T

Gene: CIB1 (calcium and integrin binding 1; minus strand). Cytogenetic location: 15q26.1.
Variant type: single nucleotide variant.
Coding change: c.87-36C>T on transcript NM_006384.4 (MANE Select); 36 bases into the intron before coding-DNA position 87, C replaced by T.
Molecular consequence: intron variant. On other transcripts: synonymous variant (1).
Genome position (GRCh38, 1-based): chr15:90,232,363, G>A on the plus strand (C>T on the coding strand, the complement: CIB1 is on the minus strand). VCF-style: chr15-90232363-G-A. GRCh37 (hg19) VCF-style: chr15-90775595-G-A.
Other names: c.171C>T, p.Ile57= (NM_001277764.2).
Identifiers: ClinVar variation 3043144 (VCV003043144.2), dbSNP rs375773452, ClinGen allele CA7734334.